The following is an entry in ClinVar:

NM_001813.3(CENPE):c.778C>G (p.Arg260Gly)

Gene: CENPE (centromere protein E; minus strand). Cytogenetic location: 4q24.
Variant type: single nucleotide variant.
Coding change: c.778C>G on transcript NM_001813.3 (MANE Select); coding-DNA position 778, C replaced by G.
Protein change: p.Arg260Gly; replaces arginine 260 with glycine.
Molecular consequence: missense variant.
Genome position (GRCh38, 1-based): chr4:103,183,256, G>C on the plus strand (C>G on the coding strand, the complement: CENPE is on the minus strand). VCF-style: chr4-103183256-G-C. GRCh37 (hg19) VCF-style: chr4-104104413-G-C.
Other names: c.778C>G, p.Arg260Gly (NM_001286734.2); short protein forms R260G.
Identifiers: ClinVar variation 1698052 (VCV001698052.2), dbSNP rs759814291, ClinGen allele CA357788666.
Genomic context (GRCh38, chr4:103,183,256, plus strand): 5'-CTTACCCAACTTGTCCATCACTAAGTTTCTTGATCACTTGTCCCAAAATAAATAAGCTTC[G>C]ATTTATATTACAGCCTTCCTTGAGCCGCACACCTGAATTTATTAAACAAATATGAAAACT-3'
Protein context (NP_001804.2, residues 250-270): VRLKEGCNIN[Arg260Gly]SLFILGQVIK

ClinVar aggregate classification (germline): Uncertain significance (1 of 4 stars; one submission).

Submission:

GeneDx
Classification: Uncertain significance. Last evaluated: 2022-01-21. Review status: criteria provided, single submitter. Criteria: GeneDx Variant Classification Process June 2021. Collection method: clinical testing. Allele origin: germline. Affected: yes.
Comment: Not observed at significant frequency in large population cohorts (gnomAD); In silico analysis supports that this missense variant has a deleterious effect on protein structure/function; Has not been previously published as pathogenic or benign to our knowledge